The following is an entry in ClinVar:

NM_000558.5(HBA1):c.349G>T (p.Glu117Ter)

Genes: HBA1 (hemoglobin subunit alpha 1; plus strand), LOC106804613 (hemoglobin subunit alpha 1 recombination region; plus strand). Cytogenetic location: 16p13.3.
Variant type: single nucleotide variant.
Coding change: c.349G>T on transcript NM_000558.5 (MANE Select); coding-DNA position 349, G replaced by T.
Protein change: p.Glu117Ter; replaces glutamic acid 117 with a stop codon.
Molecular consequence: nonsense.
Genome position (GRCh38, 1-based): chr16:177,331, G>T. VCF-style: chr16-177331-G-T. GRCh37 (hg19) VCF-style: chr16-227330-G-T.
Other names: c.349G>T (NM_000558.4); short protein forms E117*.
Identifiers: ClinVar variation 4533035 (VCV004533035.2).

ClinVar aggregate classification (germline): Pathogenic/Likely pathogenic. Review status: criteria provided, multiple submitters, no conflicts (2 of 4 stars). 2 submissions from 2 submitters: Pathogenic (1); Likely pathogenic (1). Last evaluated 2026-01-16.

Conditions:
alpha Thalassemia. Also called: Alpha thalassemia spectrum. Identifiers: Orphanet 846, MedGen C0002312, MONDO:0011399, OMIM 604131.

Submissions (2):

Natera, Inc.
Classification: Likely pathogenic for Alpha thalassemia. Last evaluated: 2026-01-16. Review status: criteria provided, single submitter. Criteria: Natera Variant Classification Schema (03/2026). Collection method: clinical testing. Allele origin: germline.
Comment: The c.349G>T variant in HBA1 is a nonsense variant predicted to introduce a stop codon at amino acid 117. This variant is expected to result in nonsense mediated decay, truncation, or a dysfunctional protein product. This variant is rare in the general population with a frequency below the threshold expected for the associated phenotype(s). Given the available evidence, this variant is classified as Likely Pathogenic.

Quest Diagnostics Nichols Institute San Juan Capistrano
Classification: Pathogenic. Last evaluated: 2025-04-08. Review status: criteria provided, single submitter. Criteria: Quest Diagnostics criteria. Collection method: clinical testing. Allele origin: unknown.
Comment: The HBA1 c.349G>T (p.Glu117*) variant creates a premature stop codon in the last exon of the HBA1 gene. While this is not expected to trigger nonsense-mediated decay of the aberrant transcript, the resulting truncation in the 3' region of the alpha-globin gene has been shown to cause reduced protein expression and disrupted heme-binding in vitro (PMID: 25369055 (2014)). In the published literature, this variant in the heterozygous state has been reported in two family members affected with microcytic/hypochromic anemia (PMID: 34082638 (2021)). Additionally, this variant occurring on the alpha2-globin (HBA2) gene has been reported in an individual with moderate alpha-thalassemia who also carried the -alpha3.7 deletion on the opposite chromosome (PMID: 3597771 (1987)). The HBA1 c.349G>T (p.Glu117*) variant has not been reported in large, multi-ethnic general populations (Genome Aggregation Database). Based on the available information, this variant is classified as pathogenic.

Literature cited by the submitters: PubMed 34082638 (cited by Quest Diagnostics Nichols Institute San Juan Capistrano).